The following is an entry in ClinVar:

ClinVar aggregate classification (germline): Uncertain significance (1 of 4 stars; one submission).

Conditions:
Combined immunodeficiency due to DOCK8 deficiency (HIES2). Also called: HIES autosomal recessive; DOCK8 Deficiency; Hyper-IgE recurrent infection syndrome, autosomal recessive; HYPER-IgE RECURRENT INFECTION SYNDROME 2, AUTOSOMAL RECESSIVE; HYPER-IgE SYNDROME 2, AUTOSOMAL RECESSIVE, WITH RECURRENT INFECTIONS. Identifiers: Orphanet 217390, MedGen C4722305, MONDO:0009478, OMIM 243700.

Allele frequency attached by ClinVar (database versions not stated): gnomAD exomes below 0.00001.
gnomAD v4.1: 1 of 1,614,082 alleles (0.000062%); highest among the groups gnomAD compares: East Asian, 0.0022%; no homozygotes.

Submission:

Labcorp Genetics (formerly Invitae), Labcorp
Classification: Uncertain significance for Combined immunodeficiency due to DOCK8 deficiency. Last evaluated: 2021-09-03. Review status: criteria provided, single submitter. Criteria: Invitae Variant Classification Sherloc (09022015). Collection method: clinical testing. Allele origin: germline.
Comment: This sequence change replaces leucine with valine at codon 1060 of the DOCK8 protein (p.Leu1060Val). The leucine residue is highly conserved and there is a small physicochemical difference between leucine and valine. This variant is not present in population databases (ExAC no frequency). In summary, the available evidence is currently insufficient to determine the role of this variant in disease. Therefore, it has been classified as a Variant of Uncertain Significance. Algorithms developed to predict the effect of missense changes on protein structure and function are either unavailable or do not agree on the potential impact of this missense change (SIFT: "Deleterious"; PolyPhen-2: "Benign"; Align-GVGD: "Class C0"). This variant has not been reported in the literature in individuals affected with DOCK8-related conditions.

NM_203447.4(DOCK8):c.3178C>G (p.Leu1060Val)

Gene: DOCK8 (dedicator of cytokinesis 8; plus strand). Cytogenetic location: 9p24.3.
Variant type: single nucleotide variant.
Coding change: c.3178C>G on transcript NM_203447.4 (MANE Select); coding-DNA position 3178, C replaced by G.
Protein change: p.Leu1060Val; replaces leucine 1060 with valine.
Molecular consequence: missense variant.
Genome position (GRCh38, 1-based): chr9:399,203, C>G. VCF-style: chr9-399203-C-G. GRCh37 (hg19) VCF-style: chr9-399203-C-G.
Other names: c.2878C>G, p.Leu960Val (NM_001190458.2); c.2974C>G, p.Leu992Val (NM_001193536.2); short protein forms L960V, L992V, L1060V.
Identifiers: ClinVar variation 956533 (VCV000956533.8), dbSNP rs2054616337, ClinGen allele CA372754728.